The following is an entry in ClinVar:

ClinVar aggregate classification (germline): Uncertain significance. Review status: criteria provided, multiple submitters, no conflicts (2 of 4 stars). 2 submissions from 2 submitters: Uncertain significance (2). Last evaluated 2025-07-30.

Conditions:
Hereditary breast ovarian cancer syndrome. Also called: Hereditary breast and/or ovarian cancer syndrome; BRCA1- and BRCA2-Associated Hereditary Breast and Ovarian Cancer; Hereditary breast and ovarian cancer syndrome; Hereditary breast and ovarian cancer; Hereditary breast and ovarian cancer syndrome (HBOC); Breast and ovarian cancer. Identifiers: Orphanet 145, MedGen C0677776, MeSH D061325, MONDO:0003582. Disease mechanism: loss of function.
Hereditary cancer-predisposing syndrome. Also called: Neoplastic Syndromes, Hereditary; Tumor predisposition; Hereditary neoplastic syndrome; Hereditary Cancer Syndrome. Identifiers: Orphanet 140162, MedGen C0027672, MeSH D009386, MONDO:0015356.

Submissions (2):

Labcorp Genetics (formerly Invitae), Labcorp
Classification: Uncertain significance for Hereditary breast ovarian cancer syndrome. Last evaluated: 2025-07-30. Review status: criteria provided, single submitter. Criteria: Invitae Variant Classification Sherloc (09022015). Collection method: clinical testing. Allele origin: germline.
Comment: This sequence change replaces isoleucine, which is neutral and non-polar, with leucine, which is neutral and non-polar, at codon 456 of the BRCA1 protein (p.Ile456Leu). This variant is not present in population databases (gnomAD no frequency). This variant has not been reported in the literature in individuals affected with BRCA1-related conditions. ClinVar contains an entry for this variant (Variation ID: 2450662). Invitae Evidence Modeling of protein sequence and biophysical properties (such as structural, functional, and spatial information, amino acid conservation, physicochemical variation, residue mobility, and thermodynamic stability) indicates that this missense variant is not expected to disrupt BRCA1 protein function with a negative predictive value of 80%. In summary, the available evidence is currently insufficient to determine the role of this variant in disease. Therefore, it has been classified as a Variant of Uncertain Significance.

Ambry Genetics
Classification: Uncertain significance for Hereditary cancer-predisposing syndrome. Last evaluated: 2022-11-14. Review status: criteria provided, single submitter. Criteria: Ambry Variant Classification Scheme 2023. Collection method: clinical testing. Allele origin: germline.
Comment: The p.I456L variant (also known as c.1366A>C), located in coding exon 9 of the BRCA1 gene, results from an A to C substitution at nucleotide position 1366. The isoleucine at codon 456 is replaced by leucine, an amino acid with highly similar properties. This amino acid position is well conserved in available vertebrate species. In addition, the in silico prediction for this alteration is inconclusive. Since supporting evidence is limited at this time, the clinical significance of this alteration remains unclear.

NM_007294.4(BRCA1):c.1366A>C (p.Ile456Leu)

Gene: BRCA1 (BRCA1 DNA repair associated; minus strand). Cytogenetic location: 17q21.31.
Variant type: single nucleotide variant.
Coding change: c.1366A>C on transcript NM_007294.4 (MANE Select); coding-DNA position 1366, A replaced by C.
Protein change: p.Ile456Leu; replaces isoleucine 456 with leucine.
Molecular consequence: missense variant. On other transcripts: intron variant (137).
Genome position (GRCh38, 1-based): chr17:43,094,165, T>G on the plus strand (A>C on the coding strand, the complement: BRCA1 is on the minus strand). VCF-style: chr17-43094165-T-G. GRCh37 (hg19) VCF-style: chr17-41246182-T-G.
Other names: c.1366A>C, p.Ile456Leu (NM_001407624.1, NM_001407625.1, NM_001407626.1 and 30 more transcripts); c.787+579A>C (NM_001408403.1, NM_001407983.1, NM_001407975.1 and 19 more transcripts); c.1363A>C, p.Ile455Leu (NM_001407627.1, NM_001407632.1, NM_001407633.1 and 22 more transcripts); c.790+576A>C (NM_001408406.1); c.577+579A>C (NM_001408482.1, NM_001408481.1, NM_001408480.1 and 9 more transcripts); c.520+579A>C (NM_001408504.1, NM_001408503.1, NM_001408505.1); c.643+579A>C (NM_001408463.1, NM_001408465.1, NM_001408470.1 and 3 more transcripts); c.523+579A>C (NM_001408499.1, NM_001408498.1, NM_001408501.1 and 3 more transcripts); and 40 more; short protein forms I329L, I344L, I408L, I409L, I415L, I367L, I385L, I386L.
Identifiers: ClinVar variation 2450662 (VCV002450662.5), dbSNP rs2154451637, ClinGen allele CA10599316.